The following is an entry in ClinVar:

ClinVar aggregate classification (germline): Uncertain significance. Review status: criteria provided, multiple submitters, no conflicts (2 of 4 stars). 4 submissions from 4 submitters: Uncertain significance (3). 1 of the submissions does not count toward it. Last evaluated 2026-03-05.

Conditions:
Enhanced S-cone syndrome (ESCS). Identifiers: Orphanet 53540, MedGen C1849394, MONDO:0100288, MONDO:0009989.
NR2E3-related disorder. Also called: NR2E3-related disorders; NR2E3-related condition. Identifiers: MedGen CN239387.

Allele frequency attached by ClinVar (database versions not stated): TOPMed below 0.00001; ExAC 0.00002; gnomAD exomes 0.00002 and 0.00003.
gnomAD v4.1: 26 of 1,609,854 alleles (0.0016%); highest among the groups gnomAD compares: South Asian, 0.01%; no homozygotes.

Submissions (4):

PreventionGenetics, part of Exact Sciences
Classification: Uncertain significance for NR2E3-related condition. Last evaluated: 2026-03-05. Review status: criteria provided, single submitter. Criteria: ACMG Guidelines, 2015. Collection method: clinical testing. Allele origin: germline.
Comment: The NR2E3 c.740G>A variant is predicted to result in the amino acid substitution p.Arg247Gln. To our knowledge, this variant has not been reported in the literature. This variant is reported in 0.020% of alleles in individuals of South Asian descent in gnomAD. At this time, the clinical significance of this variant is uncertain due to the absence of conclusive functional and genetic evidence.

Labcorp Genetics (formerly Invitae), Labcorp
Classification: Uncertain significance. Last evaluated: 2025-02-26. Review status: criteria provided, single submitter. Criteria: Invitae Variant Classification Sherloc (09022015). Collection method: clinical testing. Allele origin: germline.
Comment: This sequence change replaces arginine, which is basic and polar, with glutamine, which is neutral and polar, at codon 247 of the NR2E3 protein (p.Arg247Gln). This variant is present in population databases (rs747043962, gnomAD 0.02%). This variant has not been reported in the literature in individuals affected with NR2E3-related conditions. ClinVar contains an entry for this variant (Variation ID: 954495). Invitae Evidence Modeling of protein sequence and biophysical properties (such as structural, functional, and spatial information, amino acid conservation, physicochemical variation, residue mobility, and thermodynamic stability) indicates that this missense variant is not expected to disrupt NR2E3 protein function with a negative predictive value of 80%. In summary, the available evidence is currently insufficient to determine the role of this variant in disease. Therefore, it has been classified as a Variant of Uncertain Significance.

Blueprint Genetics
Classification: Uncertain significance. Last evaluated: 2023-03-27. Review status: criteria provided, single submitter. Criteria: ACMG Guidelines, 2015. Collection method: clinical testing. Allele origin: germline.

Natera, Inc.
Classification: Uncertain significance for Enhanced S cone syndrome. Last evaluated: 2020-09-29. Review status: no assertion criteria provided. Collection method: clinical testing. Allele origin: germline. Not counted in ClinVar's aggregate classification.

NM_014249.4(NR2E3):c.740G>A (p.Arg247Gln)

Gene: NR2E3 (nuclear receptor subfamily 2 group E member 3; plus strand). Cytogenetic location: 15q23.
Variant type: single nucleotide variant.
Coding change: c.740G>A on transcript NM_014249.4 (MANE Select); coding-DNA position 740, G replaced by A.
Protein change: p.Arg247Gln; replaces arginine 247 with glutamine.
Molecular consequence: missense variant.
Genome position (GRCh38, 1-based): chr15:71,812,504, G>A. VCF-style: chr15-71812504-G-A. GRCh37 (hg19) VCF-style: chr15-72104844-G-A.
Other names: c.740G>A, p.Arg247Gln (NM_016346.4); short protein forms R247Q.
Identifiers: ClinVar variation 954495 (VCV000954495.12), dbSNP rs747043962, ClinGen allele CA7640382.